The following is an entry in ClinVar:

ClinVar aggregate classification (germline): Benign. Review status: criteria provided, multiple submitters, no conflicts (2 of 4 stars). 6 submissions from 2 submitters: Benign (6). Last evaluated 2021-07-22.

Conditions:
Fibrochondrogenesis 2 (FBCG2). Identifiers: Orphanet 2021, MedGen C3281128, MONDO:0013795, OMIM 614524.
Autosomal recessive nonsyndromic hearing loss 53. Identifiers: Orphanet 90636, MedGen C1864746, MONDO:0012333, OMIM 609706.
Otospondylomegaepiphyseal dysplasia, autosomal recessive (OSMEDB). Also called: CHONDRODYSTROPHY WITH SENSORINEURAL DEAFNESS; Insley-Astley syndrome. Identifiers: Orphanet 1427, MedGen CN034493, MONDO:0044206, OMIM 215150.
Autosomal dominant nonsyndromic hearing loss 13. Identifiers: Orphanet 90635, MedGen C1866095, MONDO:0011159, OMIM 601868.
Otospondylomegaepiphyseal dysplasia, autosomal dominant (OSMEDA). Also called: COL11A2-Related Stickler Syndrome; Stickler syndrome, type 3; Pierre Robin syndrome with fetal chondrodysplasia. Identifiers: Orphanet 166100, Orphanet 3450, MedGen C1848488, MONDO:0008490, OMIM 184840.

Allele frequency attached by ClinVar (database versions not stated): ESP Exome Variant Server 0.65254; gnomAD 0.66736 and 0.67864; TOPMed 0.68365; gnomAD exomes 0.68799 and 0.73172; ExAC 0.72535; 1000 Genomes Project 30x 0.74984; 1000 Genomes Project 0.75839.
gnomAD v4.1: 1,108,897 of 1,611,724 alleles (69%); highest among the groups gnomAD compares: East Asian, 98%; 386,095 homozygotes.

Submissions (6):

Genome-Nilou Lab
Classification: Benign for Autosomal dominant nonsyndromic hearing loss 13. Last evaluated: 2021-07-22. Review status: criteria provided, single submitter. Criteria: ACMG Guidelines, 2015. Collection method: clinical testing. Allele origin: germline. Affected: no.

Genome-Nilou Lab
Classification: Benign for Autosomal recessive nonsyndromic hearing loss 53. Last evaluated: 2021-07-22. Review status: criteria provided, single submitter. Criteria: ACMG Guidelines, 2015. Collection method: clinical testing. Allele origin: germline. Affected: no.

Genome-Nilou Lab
Classification: Benign for Fibrochondrogenesis 2. Last evaluated: 2021-07-22. Review status: criteria provided, single submitter. Criteria: ACMG Guidelines, 2015. Collection method: clinical testing. Allele origin: germline. Affected: no.

Genome-Nilou Lab
Classification: Benign for Otospondylomegaepiphyseal dysplasia, autosomal dominant. Last evaluated: 2021-07-22. Review status: criteria provided, single submitter. Criteria: ACMG Guidelines, 2015. Collection method: clinical testing. Allele origin: germline. Affected: no.

Genome-Nilou Lab
Classification: Benign for Otospondylomegaepiphyseal dysplasia, autosomal recessive. Last evaluated: 2021-07-22. Review status: criteria provided, single submitter. Criteria: ACMG Guidelines, 2015. Collection method: clinical testing. Allele origin: germline. Affected: no.

GeneDx
Classification: Benign. Last evaluated: 2018-06-13. Review status: criteria provided, single submitter. Criteria: GeneDx Variant Classification (06012015). Collection method: clinical testing. Allele origin: germline. Affected: yes.
Comment: This variant is considered likely benign or benign based on one or more of the following criteria: it is a conservative change, it occurs at a poorly conserved position in the protein, it is predicted to be benign by multiple in silico algorithms, and/or has population frequency not consistent with disease.

NM_080680.3(COL11A2):c.4339-49G>T

Gene: COL11A2 (collagen type XI alpha 2 chain; minus strand). Cytogenetic location: 6p21.32.
Variant type: single nucleotide variant.
Coding change: c.4339-49G>T on transcript NM_080680.3 (MANE Select); 49 bases into the intron before coding-DNA position 4339, G replaced by T.
Molecular consequence: intron variant.
Genome position (GRCh38, 1-based): chr6:33,166,615, C>A on the plus strand (G>T on the coding strand, the complement: COL11A2 is on the minus strand). VCF-style: chr6-33166615-C-A. GRCh37 (hg19) VCF-style: chr6-33134392-C-A.
Other names: c.4018-49G>T (NM_080679.3); c.4081-49G>T (NM_080681.3).
Identifiers: ClinVar variation 674799 (VCV000674799.4), dbSNP rs2855453, ClinGen allele CA3750136.